The following is an entry in ClinVar:

ClinVar aggregate classification (germline): Uncertain significance (1 of 4 stars; one submission).

Conditions:
Chédiak-Higashi syndrome (CHS). Also called: Chediak-Higashi Syndrome. Identifiers: Orphanet 167, MedGen C0007965, MONDO:0008963, OMIM 214500.

Submission:

Labcorp Genetics (formerly Invitae), Labcorp
Classification: Uncertain significance for Chédiak-Higashi syndrome. Last evaluated: 2020-02-03. Review status: criteria provided, single submitter. Criteria: Invitae Variant Classification Sherloc (09022015). Collection method: clinical testing. Allele origin: germline.
Comment: This variant results in a copy number gain of the genomic region encompassing exons 51-53 of the LYST gene. The 5' boundary is likely confined to intron 50. The 3' end of this event is unknown as it extends beyond the assayed region for this gene and therefore may encompass additional genes. As the precise location of this event is unknown, it may be in tandem or it may be located elsewhere in the genome. This variant has not been reported in the literature in individuals with LYST-related conditions. Experimental studies and prediction algorithms are not available or were not evaluated, and the functional significance of this variant is currently unknown. In summary, the available evidence is currently insufficient to determine the role of this variant in disease. Therefore, it has been classified as a Variant of Uncertain Significance.

NC_000001.10:g.(?_235613501)_(235827941_?)dup

Genes: B3GALNT2 (beta-1,3-N-acetylgalactosaminyltransferase 2; minus strand), GNG4 (G protein subunit gamma 4; minus strand), LYST (lysosomal trafficking regulator; minus strand). Cytogenetic location: 1q42.3.
Variant type: Duplication.
Identifiers: ClinVar variation 1006675 (VCV001006675.5).